The following is an entry in ClinVar:

NM_012281.3(KCND2):c.1375-2A>C

Gene: KCND2 (potassium voltage-gated channel subfamily D member 2; plus strand). Cytogenetic location: 7q31.31.
Variant type: single nucleotide variant.
Coding change: c.1375-2A>C on transcript NM_012281.3 (MANE Select); the canonical splice acceptor site of the intron before coding-DNA position 1375, A replaced by C.
Molecular consequence: splice acceptor variant.
Genome position (GRCh38, 1-based): chr7:120,742,508, A>C. VCF-style: chr7-120742508-A-C. GRCh37 (hg19) VCF-style: chr7-120382562-A-C.
Identifiers: ClinVar variation 1476642 (VCV001476642.8), dbSNP rs2116178958, ClinGen allele CA369134562.

ClinVar aggregate classification (germline): Uncertain significance (1 of 4 stars; one submission).

Conditions:
Early Myoclonic Encephalopathy. Identifiers: MedGen C0270855.

Submission:

Labcorp Genetics (formerly Invitae), Labcorp
Classification: Uncertain significance for Early Myoclonic Encephalopathy. Last evaluated: 2022-12-06. Review status: criteria provided, single submitter. Criteria: Invitae Variant Classification Sherloc (09022015). Collection method: clinical testing. Allele origin: germline.
Comment: In summary, the available evidence is currently insufficient to determine the role of this variant in disease. Therefore, it has been classified as a Variant of Uncertain Significance. Algorithms developed to predict the effect of sequence changes on RNA splicing suggest that this variant may disrupt the consensus splice site. ClinVar contains an entry for this variant (Variation ID: 1476642). This variant has not been reported in the literature in individuals affected with KCND2-related conditions. This variant is not present in population databases (gnomAD no frequency). This sequence change affects an acceptor splice site in intron 3 of the KCND2 gene. It is expected to disrupt RNA splicing. Variants that disrupt the donor or acceptor splice site typically lead to a loss of protein function (PMID: 16199547), however the current clinical and genetic evidence is not sufficient to establish whether loss-of-function variants in KCND2 cause disease.

Literature cited by the submitters: PubMed 16199547.